The following is an entry in ClinVar:

NM_012310.5(KIF4A):c.3681C>T (p.Ile1227=)

Gene: KIF4A (kinesin family member 4A; plus strand). Cytogenetic location: Xq13.1.
Variant type: single nucleotide variant.
Coding change: c.3681C>T on transcript NM_012310.5 (MANE Select); coding-DNA position 3681, C replaced by T.
Protein change: p.Ile1227=; no amino-acid change (isoleucine 1227 retained).
Molecular consequence: synonymous variant.
Genome position (GRCh38, 1-based): chrX:70,420,247, C>T. VCF-style: chrX-70420247-C-T. GRCh37 (hg19) VCF-style: chrX-69640097-C-T.
Identifiers: ClinVar variation 3043134 (VCV003043134.2), dbSNP rs770853337, ClinGen allele CA10441521.
Genomic context (GRCh38, chrX:70,420,247, plus strand): 5'-GAAGAAAAAGAAACGGGCTCTGGCCAGCAACACCAGCTTCTTCTCTGGCTGCTCCCCTAT[C>T]GAAGAAGAGGCCCACTGAAGTTGGAGTCATCATCTCTACCCCCAGTCTGGCTTGGGAGAT-3'
Protein context (NP_036442.3, residues 1217-1232): NTSFFSGCSP[Ile1227=]EEEAH

ClinVar aggregate classification (germline): Likely benign (0 of 4 stars; one submission).

Conditions:
KIF4A-related disorder. Also called: KIF4A-related condition.

Allele frequency attached by ClinVar (database versions not stated): gnomAD exomes 0.00001; ExAC 0.00004.
gnomAD v4.1: 7 of 1,208,028 alleles (0.00058%); highest among the groups gnomAD compares: Middle Eastern, 0.055%; no homozygotes.

Submission:

PreventionGenetics, part of Exact Sciences
Classification: Likely benign for KIF4A-related condition. Last evaluated: 2020-01-03. Review status: no assertion criteria provided. Collection method: clinical testing. Allele origin: germline.
Comment: This variant is classified as likely benign based on ACMG/AMP sequence variant interpretation guidelines (Richards et al. 2015 PMID: 25741868, with internal and published modifications).